The following is an entry in ClinVar:

NM_006206.6(PDGFRA):c.287G>C (p.Gly96Ala)

Gene: PDGFRA (platelet derived growth factor receptor alpha; plus strand). Cytogenetic location: 4q12.
Variant type: single nucleotide variant.
Coding change: c.287G>C on transcript NM_006206.6 (MANE Select); coding-DNA position 287, G replaced by C.
Protein change: p.Gly96Ala; replaces glycine 96 with alanine.
Molecular consequence: missense variant.
Genome position (GRCh38, 1-based): chr4:54,261,332, G>C. VCF-style: chr4-54261332-G-C. GRCh37 (hg19) VCF-style: chr4-55127499-G-C.
Other names: c.287G>C, p.Gly96Ala (NM_001347827.2, NM_001347829.2); c.362G>C, p.Gly121Ala (NM_001347828.2); c.326G>C, p.Gly109Ala (NM_001347830.2); short protein forms G109A, G96A, G121A.
Identifiers: ClinVar variation 2453861 (VCV002453861.2), dbSNP rs2110243295, ClinGen allele CA356888797.

ClinVar aggregate classification (germline): Uncertain significance (1 of 4 stars; one submission).

Conditions:
Hereditary cancer-predisposing syndrome. Also called: Neoplastic Syndromes, Hereditary; Hereditary neoplastic syndrome; Tumor predisposition; Hereditary Cancer Syndrome. Identifiers: Orphanet 140162, MedGen C0027672, MeSH D009386, MONDO:0015356.

Submission:

Ambry Genetics
Classification: Uncertain significance for Hereditary cancer-predisposing syndrome. Last evaluated: 2023-01-11. Review status: criteria provided, single submitter. Criteria: Ambry Variant Classification Scheme 2023. Collection method: clinical testing. Allele origin: germline.
Comment: The p.G96A variant (also known as c.287G>C), located in coding exon 2 of the PDGFRA gene, results from a G to C substitution at nucleotide position 287. The glycine at codon 96 is replaced by alanine, an amino acid with similar properties. This amino acid position is conserved. In addition, the in silico prediction for this alteration is inconclusive. Since supporting evidence is limited at this time, the clinical significance of this alteration remains unclear.